The following is an entry in ClinVar:

NM_000313.4(PROS1):c.6G>T (p.Arg2Ser)

Gene: PROS1 (protein S; minus strand). Cytogenetic location: 3q11.1.
Variant type: single nucleotide variant.
Coding change: c.6G>T on transcript NM_000313.4 (MANE Select); coding-DNA position 6, G replaced by T.
Protein change: p.Arg2Ser; replaces arginine 2 with serine.
Molecular consequence: missense variant.
Genome position (GRCh38, 1-based): chr3:93,973,744, C>A on the plus strand (G>T on the coding strand, the complement: PROS1 is on the minus strand). VCF-style: chr3-93973744-C-A. GRCh37 (hg19) VCF-style: chr3-93692588-C-A.
Other names: p.Arg2Ser; c.6G>T, p.Arg2Ser (NM_001314077.2); short protein forms R2S.
Identifiers: ClinVar variation 3379481 (VCV003379481.1).

ClinVar aggregate classification (germline): Uncertain significance (1 of 4 stars; one submission).

gnomAD v4.1: 2 of 1,612,832 alleles (0.00012%); highest among the groups gnomAD compares: South Asian, 0.0011%; no homozygotes.

Submission:

Mayo Clinic Laboratories, Mayo Clinic
Classification: Uncertain significance. Last evaluated: 2023-09-22. Review status: criteria provided, single submitter. Criteria: ACMG Guidelines, 2015. Collection method: clinical testing. Allele origin: germline. Observed: 1 variant allele.
Comment: PM2_moderate